The following is an entry in ClinVar:

NM_004168.4(SDHA):c.855T>G (p.Leu285=)

Gene: SDHA (succinate dehydrogenase complex flavoprotein subunit A; plus strand). Cytogenetic location: 5p15.33.
Variant type: single nucleotide variant.
Coding change: c.855T>G on transcript NM_004168.4 (MANE Select); coding-DNA position 855, T replaced by G.
Protein change: p.Leu285=; no amino-acid change (leucine 285 retained).
Molecular consequence: synonymous variant.
Genome position (GRCh38, 1-based): chr5:230,960, T>G. VCF-style: chr5-230960-T-G. GRCh37 (hg19) VCF-style: chr5-231075-T-G.
Other names: c.711T>G, p.Leu237= (NM_001294332.2); c.855T>G, p.Leu285= (NM_001330758.2).
Identifiers: ClinVar variation 3904420 (VCV003904420.1).

ClinVar aggregate classification (germline): Benign (1 of 4 stars; one submission).

Conditions:
Pheochromocytoma/paraganglioma syndrome 5. Also called: Paragangliomas 5; SDHA-Related Hereditary Paraganglioma-Pheochromocytoma Syndrome. Identifiers: Orphanet 29072, MedGen C3279992, MONDO:0013602, OMIM 614165.

Submission:

Myriad Genetics, Inc.
Classification: Benign for Pheochromocytoma/paraganglioma syndrome 5. Last evaluated: 2025-03-03. Review status: criteria provided, single submitter. Criteria: Myriad Autosomal Dominant, Autosomal Recessive and X-Linked Classification Criteria (2023). Collection method: clinical testing. Allele origin: unknown.
Comment: This variant is considered benign. This variant is a silent/synonymous amino acid change and it is not expected to impact splicing.